The following is an entry in ClinVar:

NM_000271.5(NPC1):c.1947+16_1947+17insCGG

Gene: NPC1 (NPC intracellular cholesterol transporter 1; minus strand). Cytogenetic location: 18q11.2.
Variant type: Insertion.
Coding change: c.1947+16_1947+17insCGG on transcript NM_000271.5 (MANE Select); bases 16 to 17 of the intron after coding-DNA position 1947, CGG inserted.
Molecular consequence: intron variant.
Genome position: GRCh38 VCF-style: chr18-23544943-A-ACCG. GRCh37 (hg19) VCF-style: chr18-21124907-A-ACCG.
Other names: p.?; c.1947+16_1947+17insGGC (NM_000271.5).
Identifiers: ClinVar variation 1150677 (VCV001150677.13), dbSNP rs55809701, ClinGen allele CA297060268.

ClinVar aggregate classification (germline): Likely benign. Review status: criteria provided, multiple submitters, no conflicts (2 of 4 stars). 4 submissions from 4 submitters: Likely benign (3). 1 of the submissions does not count toward it. Last evaluated 2026-02-03.

Conditions:
Niemann-Pick disease, type C1. Also called: NIEMANN-PICK DISEASE, VARIANT TYPE C1; NEUROVISCERAL STORAGE DISEASE WITH VERTICAL SUPRANUCLEAR OPHTHALMOPLEGIA; NIEMANN-PICK DISEASE WITH CHOLESTEROL ESTERIFICATION BLOCK; NIEMANN-PICK DISEASE WITHOUT SPHINGOMYELINASE DEFICIENCY; NIEMANN-PICK DISEASE, CHRONIC NEURONOPATHIC FORM. Identifiers: Orphanet 646, MedGen C3179455, MONDO:0009757, OMIM 257220.
NPC1-related disorder. Also called: NPC1-related condition.

Submissions (4):

Labcorp Genetics (formerly Invitae), Labcorp
Classification: Likely benign for Niemann-Pick disease, type C1. Last evaluated: 2026-02-03. Review status: criteria provided, single submitter. Criteria: Invitae Variant Classification Sherloc (09022015). Collection method: clinical testing. Allele origin: germline.

Mayo Clinic Laboratories, Mayo Clinic
Classification: Likely benign. Last evaluated: 2025-08-05. Review status: criteria provided, single submitter. Criteria: ACMG Guidelines, 2015. Collection method: clinical testing. Allele origin: germline. Observed: 4 variant alleles.
Comment: BP4, BP7, PM2_moderate

Blueprint Genetics
Classification: Likely benign. Last evaluated: 2024-09-17. Review status: criteria provided, single submitter. Criteria: ACMG Guidelines, 2015. Collection method: clinical testing. Allele origin: germline.

PreventionGenetics, part of Exact Sciences
Classification: Likely benign for NPC1-related condition. Last evaluated: 2021-03-04. Review status: no assertion criteria provided. Collection method: clinical testing. Allele origin: germline. Not counted in ClinVar's aggregate classification.
Comment: This variant is classified as likely benign based on ACMG/AMP sequence variant interpretation guidelines (Richards et al. 2015 PMID: 25741868, with internal and published modifications).